The following is an entry in ClinVar:

NM_001081.4(CUBN):c.5511dup (p.Gly1838fs)

Gene: CUBN (cubilin; minus strand). Cytogenetic location: 10p13.
Variant type: Duplication.
Coding change: c.5511dup on transcript NM_001081.4 (MANE Select); coding-DNA position 5511, one base duplicated (T; older notation c.5511dupT).
Protein change: p.Gly1838fs; shifts the reading frame from glycine 1838.
Molecular consequence: frameshift variant.
Genome position (GRCh38, 1-based): chr10:16,940,069, A duplicated on the plus strand (T on the coding strand, the reverse complement: CUBN is on the minus strand). VCF-style (leftmost placement, unchanged base first): chr10-16940068-C-CA. GRCh37 (hg19) VCF-style: chr10-16982067-C-CA.
Other names: c.5511dupT (NM_001081.3); short protein forms G1838fs.
Identifiers: ClinVar variation 522509 (VCV000522509.8), dbSNP rs1168074679, ClinGen allele CA592313496.
Genomic context (GRCh38, chr10:16,940,068, plus strand): 5'-ATCACTAAAATAGAAACAACTTACTCTTCATAAATGTGGCCTGGAAGCCCGTGCCGCTGC[C>CA]AGAACCATCTGAGATAAATCTGACCCACAGGGTATGTCCAACGATGGAAGAATAATTGAG-3'

ClinVar aggregate classification (germline): Pathogenic. Review status: criteria provided, single submitter (1 of 4 stars). 2 submissions from 2 submitters: Pathogenic (1). 1 of the submissions does not count toward it. Last evaluated 2018-10-18.

Conditions:
Imerslund-Grasbeck syndrome. Also called: Megaloblastic anemia due to inborn errors of metabolism; Imerslund-Gräsbeck syndrome; ENTEROCYTE COBALAMIN MALABSORPTION; ENTEROCYTE INTRINSIC FACTOR RECEPTOR, DEFECT OF; PERNICIOUS ANEMIA, JUVENILE, DUE TO SELECTIVE INTESTINAL MALABSORPTION OF VITAMIN B12, WITH PROTEINURIA. Identifiers: Orphanet 35858, MedGen C4551825, MONDO:0009853.

Allele frequency attached by ClinVar (database versions not stated): gnomAD exomes below 0.00001; TOPMed 0.00001.

Submissions (2):

Labcorp Genetics (formerly Invitae), Labcorp
Classification: Pathogenic for Imerslund-Grasbeck syndrome. Last evaluated: 2018-10-18. Review status: criteria provided, single submitter. Criteria: Invitae Variant Classification Sherloc (09022015). Collection method: clinical testing. Allele origin: germline.
Comment: For these reasons, this variant has been classified as Pathogenic. Loss-of-function variants in CUBN are known to be pathogenic (PMID: 15024727, 22929189). This variant has not been reported in the literature in individuals with CUBN-related disease. ClinVar contains an entry for this variant (Variation ID: 522509). This variant is not present in population databases (ExAC no frequency). This sequence change creates a premature translational stop signal (p.Gly1838Trpfs*17) in the CUBN gene. It is expected to result in an absent or disrupted protein product.

Bioscientia Institut fuer Medizinische Diagnostik GmbH, Sonic Healthcare
Classification: Likely pathogenic for Imerslund-Grasbeck syndrome type 1. Last evaluated: 2017-10-09. Review status: no assertion criteria provided. Collection method: clinical testing. Allele origin: germline. Affected: yes. Not counted in ClinVar's aggregate classification.

Literature cited by the submitters: PubMed 15024727 (cited by Labcorp Genetics (formerly Invitae), Labcorp); PubMed 22929189 (cited by Labcorp Genetics (formerly Invitae), Labcorp).